The following is an entry in ClinVar:

ClinVar aggregate classification (germline): Uncertain significance (1 of 4 stars; one submission).

Allele frequency attached by ClinVar (database versions not stated): TOPMed below 0.00001; ExAC 0.00001.
gnomAD v4.1: 1 of 1,613,966 alleles (0.000062%); highest among the groups gnomAD compares: East Asian, 0.0022%; no homozygotes.

Submission:

Labcorp Genetics (formerly Invitae), Labcorp
Classification: Uncertain significance. Last evaluated: 2022-11-23. Review status: criteria provided, single submitter. Criteria: Invitae Variant Classification Sherloc (09022015). Collection method: clinical testing. Allele origin: germline.
Comment: In summary, the available evidence is currently insufficient to determine the role of this variant in disease. Therefore, it has been classified as a Variant of Uncertain Significance. Advanced modeling of protein sequence and biophysical properties (such as structural, functional, and spatial information, amino acid conservation, physicochemical variation, residue mobility, and thermodynamic stability) performed at Invitae indicates that this missense variant is not expected to disrupt GALNT12 protein function. This variant has not been reported in the literature in individuals affected with GALNT12-related conditions. This variant is present in population databases (rs763868835, gnomAD 0.02%). This sequence change replaces glutamic acid, which is acidic and polar, with aspartic acid, which is acidic and polar, at codon 323 of the GALNT12 protein (p.Glu323Asp).

NM_024642.5(GALNT12):c.969A>C (p.Glu323Asp)

Gene: GALNT12 (polypeptide N-acetylgalactosaminyltransferase 12; plus strand). Cytogenetic location: 9q22.33.
Variant type: single nucleotide variant.
Coding change: c.969A>C on transcript NM_024642.5 (MANE Select); coding-DNA position 969, A replaced by C.
Protein change: p.Glu323Asp; replaces glutamic acid 323 with aspartic acid.
Molecular consequence: missense variant.
Genome position (GRCh38, 1-based): chr9:98,835,300, A>C. VCF-style: chr9-98835300-A-C. GRCh37 (hg19) VCF-style: chr9-101597582-A-C.
Other names: short protein forms E323D.
Identifiers: ClinVar variation 2995630 (VCV002995630.3), dbSNP rs763868835, ClinGen allele CA5154125.